The following is an entry in ClinVar:

ClinVar aggregate classification (germline): Benign/Likely benign. Review status: criteria provided, multiple submitters, no conflicts (2 of 4 stars). 4 submissions from 4 submitters: Benign (3); Likely benign (1). Last evaluated 2024-11-28.

Conditions:
Osteogenesis imperfecta type 6. Also called: Osteogenesis imperfecta, type VI. Identifiers: Orphanet 666, MedGen C3279564, MONDO:0013515, OMIM 613982.

Allele frequency attached by ClinVar (database versions not stated): ESP Exome Variant Server 0.24189; TOPMed 0.26151; gnomAD 0.26633 and 0.27322; 1000 Genomes Project 30x 0.29357; 1000 Genomes Project 0.29932; gnomAD exomes 0.30521 and 0.31939; ExAC 0.30921.
gnomAD v4.1: 483,309 of 1,602,964 alleles (30%); highest among the groups gnomAD compares: East Asian, 41%; 75,857 homozygotes.

Submissions (4):

Blueprint Genetics
Classification: Likely benign. Last evaluated: 2024-11-28. Review status: criteria provided, single submitter. Criteria: ACMG Guidelines, 2015. Collection method: clinical testing. Allele origin: germline.

GeneDx
Classification: Benign. Last evaluated: 2018-06-14. Review status: criteria provided, single submitter. Criteria: GeneDx Variant Classification (06012015). Collection method: clinical testing. Allele origin: germline. Affected: yes.
Comment: This variant is considered likely benign or benign based on one or more of the following criteria: it is a conservative change, it occurs at a poorly conserved position in the protein, it is predicted to be benign by multiple in silico algorithms, and/or has population frequency not consistent with disease.

Breakthrough Genomics
Classification: Benign. Review status: criteria provided, single submitter. Criteria: ACMG Guidelines, 2015. Collection method: not provided. Allele origin: germline. Inheritance: Autosomal recessive inheritance. Affected: yes.

Medical Molecular Genetics Department, National Research Center
Classification: Benign for Osteogenesis imperfecta, type VI. Review status: criteria provided, single submitter. Criteria: ACMG Guidelines, 2015. Collection method: clinical testing. Allele origin: inherited. Inheritance: Autosomal recessive inheritance. Observed: 4 variant alleles.

NM_002615.7(SERPINF1):c.440-28C>T

Gene: SERPINF1 (serpin family F member 1; plus strand). Cytogenetic location: 17p13.3.
Variant type: single nucleotide variant.
Coding change: c.440-28C>T on transcript NM_002615.7 (MANE Select); 28 bases into the intron before coding-DNA position 440, C replaced by T.
Molecular consequence: intron variant. On other transcripts: 5 prime UTR variant (1).
Genome position (GRCh38, 1-based): chr17:1,771,844, C>T. VCF-style: chr17-1771844-C-T. GRCh37 (hg19) VCF-style: chr17-1675138-C-T.
Other names: c.-150C>T (NM_001329905.2); c.-122-28C>T (NM_001329904.2); c.440-28C>T (NM_001329903.2).
Identifiers: ClinVar variation 674944 (VCV000674944.4), dbSNP rs4274475, ClinGen allele CA8274698.
Genomic context (GRCh38, chr17:1,771,844, plus strand): 5'-AAACCAGAACCCGAGCCTGGCAGGCTCTCAAAGACGGGATGCTTGTCGTCGAGTCTCATA[C>T]GCTAACCTCTGCTCCGCCTCTTCTCAGAGCTGCGCATAAAATCCAGCTTTGTGGCACCTC-3'